The following is an entry in ClinVar:

NM_001162501.2(TNRC6B):c.2617A>G (p.Ser873Gly)

Gene: TNRC6B (trinucleotide repeat containing adaptor 6B; plus strand). Cytogenetic location: 22q13.1.
Variant type: single nucleotide variant.
Coding change: c.2617A>G on transcript NM_001162501.2 (MANE Select); coding-DNA position 2617, A replaced by G.
Protein change: p.Ser873Gly; replaces serine 873 with glycine.
Molecular consequence: missense variant. On other transcripts: intron variant (1).
Genome position (GRCh38, 1-based): chr22:40,266,847, A>G. VCF-style: chr22-40266847-A-G. GRCh37 (hg19) VCF-style: chr22-40662851-A-G.
Other names: c.2617A>G, p.Ser873Gly (NM_015088.3); c.566-3275A>G (NM_001024843.2); short protein forms S873G.
Identifiers: ClinVar variation 1702831 (VCV001702831.2), dbSNP rs2146501769, ClinGen allele CA411637532.

ClinVar aggregate classification (germline): Uncertain significance (1 of 4 stars; one submission).

Submission:

GeneDx
Classification: Uncertain significance. Last evaluated: 2022-02-18. Review status: criteria provided, single submitter. Criteria: GeneDx Variant Classification Process June 2021. Collection method: clinical testing. Allele origin: germline. Affected: yes.
Comment: Not observed at significant frequency in large population cohorts (gnomAD); In silico analysis supports that this missense variant has a deleterious effect on protein structure/function; Has not been previously published as pathogenic or benign to our knowledge